The following is an entry in ClinVar:

ClinVar aggregate classification (germline): Conflicting classifications of pathogenicity. Review status: criteria provided, conflicting classifications (1 of 4 stars). 10 submissions from 10 submitters: Uncertain significance (7); Benign (1). 2 of the submissions do not count toward it. Last evaluated 2026-01-30.

Conditions:
WRN-related disorder. Also called: WRN-related condition.
Werner syndrome (WRN). Identifiers: Orphanet 902, MedGen C0043119, MONDO:0010196, OMIM 277700.

Allele frequency attached by ClinVar (database versions not stated): gnomAD 0.00028 and 0.00033; TOPMed 0.00048; ESP Exome Variant Server 0.00054; 1000 Genomes Project 0.00060; 1000 Genomes Project 30x 0.00062.
gnomAD v4.1: 592 of 1,609,108 alleles (0.037%); highest among the groups gnomAD compares: Middle Eastern, 0.38%; 1 homozygote.

Submissions (10):

Labcorp Genetics (formerly Invitae), Labcorp
Classification: Benign for Werner syndrome. Last evaluated: 2026-01-30. Review status: criteria provided, single submitter. Criteria: Invitae Variant Classification Sherloc (09022015). Collection method: clinical testing. Allele origin: germline.

Mayo Clinic Laboratories, Mayo Clinic
Classification: Uncertain significance. Last evaluated: 2025-04-18. Review status: criteria provided, single submitter. Criteria: ACMG Guidelines, 2015. Collection method: clinical testing. Allele origin: germline. Observed: 1 variant allele.
Comment: BP4, PM3_supporting

PreventionGenetics, part of Exact Sciences
Classification: Uncertain significance for WRN-related condition. Last evaluated: 2025-01-03. Review status: criteria provided, single submitter. Criteria: ACMG Guidelines, 2015. Collection method: clinical testing. Allele origin: germline.
Comment: The WRN c.1909C>T variant is predicted to result in the amino acid substitution p.Arg637Trp. This variant has been reported in the compound heterozygous state in an individual with Werner syndrome; however, no functional or family segregation studies have confirmed its pathogenicity (Patient 943-1, Uhrhammer et al. 2006. PubMed ID: 16786514). This variant was also reported in an individual with head and neck cancer (Table S3, Cury et al. 2021. PubMed ID: 34598035) and an individual with osteosarcoma (eTable 5, Mirabello et al. 2020. PubMed ID: 32191290). This variant is reported in 0.068% of alleles in individuals of Ashkenazi Jewish descent in gnomAD. In ClinVar, this variant has conflicting interpretations of pathogenicity ranging from benign to uncertain significance. At this time, the clinical significance of this variant is uncertain due to the absence of conclusive functional and genetic evidence.

Blueprint Genetics
Classification: Uncertain significance. Last evaluated: 2024-11-14. Review status: criteria provided, single submitter. Criteria: ACMG Guidelines, 2015. Collection method: clinical testing. Allele origin: germline.

Revvity Omics, Revvity
Classification: Uncertain significance for Werner syndrome. Last evaluated: 2024-01-23. Review status: criteria provided, single submitter. Criteria: ACMG Guidelines, 2015. Collection method: clinical testing. Allele origin: germline.

Genetic Services Laboratory, University of Chicago
Classification: Uncertain significance. Last evaluated: 2021-06-15. Review status: criteria provided, single submitter. Criteria: ACMG Guidelines, 2015. Collection method: clinical testing. Allele origin: germline. Affected: no.
Comment: DNA sequence analysis of the WRN gene demonstrated a sequence change, c.1909C>T, in exon 17 that results in an amino acid change, p.Arg637Trp. This sequence change has been described in gnomAD with a frequency of 0.062% in Non-Finnish European sub-population (dbSNP rs148286708). The p.Arg637Trp change affects a highly conserved amino acid residue located in a domain of the WRN protein that is known to be functional. In-silico pathogenicity prediction tools (SIFT, PolyPhen2, Align GVGD, REVEL) provide contradictory results for the p.Arg637Trp substitution. This particular sequence change has been reported in the compound heterozygous state in one individual with Werner syndrome, osteoporosis, and cancer (PMID: 16786514). Due to the lack of sufficient evidences, the clinical significance of the p.Arg637Trp change remains unknown at this time.

Illumina Laboratory Services, Illumina
Classification: Uncertain significance for Werner syndrome. Last evaluated: 2017-04-27. Review status: criteria provided, single submitter. Criteria: ICSL Variant Classification Criteria 13 December 2019. Collection method: clinical testing. Allele origin: germline.
Comment: This variant was observed as part of a predisposition screen in an ostensibly healthy population. A literature search was performed for the gene, cDNA change, and amino acid change (where applicable). Publications were found based on this search. However, the evidence from the literature, in combination with allele frequency data from public databases where available, was not sufficient to rule this variant in or out of causing disease. Therefore, this variant is classified as a variant of unknown significance.

Eurofins Ntd Llc (ga)
Classification: Uncertain significance. Last evaluated: 2016-01-27. Review status: criteria provided, single submitter. Criteria: EGL Classification Definitions 2015. Collection method: clinical testing. Allele origin: germline. Observed: 1 variant allele, 1 heterozygote.

ITMI
No classification provided. Condition: AllHighlyPenetrant. Last evaluated: 2013-09-19. Review status: no classification provided. Collection method: reference population. Allele origin: germline. Not counted in ClinVar's aggregate classification.
Comment: Please see associated publication for description of ethnicities

Department of Pathology and Laboratory Medicine, Sinai Health System
Classification: Uncertain significance. Review status: no assertion criteria provided. Collection method: clinical testing. Allele origin: unknown. Affected: yes. Study: The Canadian Open Genetics Repository (COGR). Not counted in ClinVar's aggregate classification.
Comment: The WRN p.Arg637Trp variant was identified in 1 of 18 Werner syndrome patients; The variant was identified in dbSNP (ID: rs148286708) and ClinVar (classified as uncertain significance by EGL Genetic Diagnotics and Invitae) but was not identified in Cosmic or LOVD 3.0. The variant was identified in control databases in 111 of 279850 chromosomes (0 homozygous) at a frequency of 0.0003966 increasing the likelihood this could be a low frequency benign variant (Genome Aggregation Database March 6, 2019, v2.1.1). The variant was observed in the following populations: Ashkenazi Jewish in 7 of 10332 chromosomes (freq: 0.000678), European (non-Finnish) in 79 of 128100 chromosomes (freq: 0.000617), Other in 4 of 7152 chromosomes (freq: 0.000559), Latino in 17 of 35294 chromosomes (freq: 0.000482), South Asian in 3 of 30544 chromosomes (freq: 0.000098) and European (Finnish) in 1 of 23934 chromosomes (freq: 0.000042), but was not observed in the African or East Asian populations. The p.Arg637 residue is conserved in mammals and computational analyses (PolyPhen-2, SIFT, AlignGVGD, BLOSUM, MutationTaster) provide inconsistent predictions regarding the impact to the protein; this information is not very predictive of pathogenicity. The variant occurs outside of the splicing consensus sequence and in silico or computational prediction software programs (SpliceSiteFinder, MaxEntScan, NNSPLICE, GeneSplicer) do not predict a difference in splicing. In summary, based on the above information the clinical significance of this variant cannot be determined with certainty at this time. This variant is classified as a variant of uncertain significance.

Literature cited by the submitters: PubMed 16786514 (cited by Mayo Clinic Laboratories, Mayo Clinic and Illumina Laboratory Services, Illumina); PubMed 24728327 (cited by ITMI).

NM_000553.6(WRN):c.1909C>T (p.Arg637Trp)

Gene: WRN (WRN RecQ like helicase; plus strand). Cytogenetic location: 8p12.
Variant type: single nucleotide variant.
Coding change: c.1909C>T on transcript NM_000553.6 (MANE Select); coding-DNA position 1909, C replaced by T.
Protein change: p.Arg637Trp; replaces arginine 637 with tryptophan.
Molecular consequence: missense variant.
Genome position (GRCh38, 1-based): chr8:31,096,778, C>T. VCF-style: chr8-31096778-C-T. GRCh37 (hg19) VCF-style: chr8-30954294-C-T.
Other names: p.Arg637Trp; short protein forms R637W.
Identifiers: ClinVar variation 135421 (VCV000135421.30), dbSNP rs148286708, ClinGen allele CA162710.